The following is an entry in ClinVar:

NM_006767.4(LZTR1):c.404G>A (p.Gly135Asp)

Gene: LZTR1 (leucine zipper like post translational regulator 1; plus strand). Cytogenetic location: 22q11.21.
Variant type: single nucleotide variant.
Coding change: c.404G>A on transcript NM_006767.4 (MANE Select); coding-DNA position 404, G replaced by A.
Protein change: p.Gly135Asp; replaces glycine 135 with aspartic acid.
Molecular consequence: missense variant.
Genome position (GRCh38, 1-based): chr22:20,988,013, G>A. VCF-style: chr22-20988013-G-A. GRCh37 (hg19) VCF-style: chr22-21342302-G-A.
Other names: short protein forms G135D.
Identifiers: ClinVar variation 3238281 (VCV003238281.3), dbSNP rs1425031926.

ClinVar aggregate classification (germline): Uncertain significance. Review status: criteria provided, multiple submitters, no conflicts (2 of 4 stars). 2 submissions from 2 submitters: Uncertain significance (2). Last evaluated 2024-08-03.

Conditions:
Hereditary cancer-predisposing syndrome. Also called: Neoplastic Syndromes, Hereditary; Tumor predisposition; Hereditary neoplastic syndrome; Hereditary Cancer Syndrome. Identifiers: Orphanet 140162, MedGen C0027672, MeSH D009386, MONDO:0015356.
Cardiovascular phenotype. Identifiers: MedGen CN230736.

Allele frequency attached by ClinVar (database versions not stated): gnomAD 0.00001.

Submissions (2):

Labcorp Genetics (formerly Invitae), Labcorp
Classification: Uncertain significance. Last evaluated: 2024-08-03. Review status: criteria provided, single submitter. Criteria: Invitae Variant Classification Sherloc (09022015). Collection method: clinical testing. Allele origin: germline.
Comment: This sequence change replaces glycine, which is neutral and non-polar, with aspartic acid, which is acidic and polar, at codon 135 of the LZTR1 protein (p.Gly135Asp). This variant is present in population databases (no rsID available, gnomAD 0.02%). This variant has not been reported in the literature in individuals affected with LZTR1-related conditions. Advanced modeling of protein sequence and biophysical properties (such as structural, functional, and spatial information, amino acid conservation, physicochemical variation, residue mobility, and thermodynamic stability) performed at Invitae indicates that this missense variant is not expected to disrupt LZTR1 protein function with a negative predictive value of 80%. In summary, the available evidence is currently insufficient to determine the role of this variant in disease. Therefore, it has been classified as a Variant of Uncertain Significance.

Ambry Genetics
Classification: Uncertain significance for Cardiovascular phenotype; Hereditary cancer-predisposing syndrome. Last evaluated: 2023-08-30. Review status: criteria provided, single submitter. Criteria: Ambry Variant Classification Scheme 2023. Collection method: clinical testing. Allele origin: germline.
Comment: The p.G135D variant (also known as c.404G>A), located in coding exon 5 of the LZTR1 gene, results from a G to A substitution at nucleotide position 404. The glycine at codon 135 is replaced by aspartic acid, an amino acid with similar properties. This amino acid position is conserved. In addition, this alteration is predicted to be deleterious by in silico analysis. Since supporting evidence is limited at this time, the clinical significance of this alteration remains unclear.